The following is an entry in ClinVar:

NM_001164508.2(NEB):c.175C>G (p.Gln59Glu)

Gene: NEB (nebulin; minus strand). Cytogenetic location: 2q23.3.
Variant type: single nucleotide variant.
Coding change: c.175C>G on transcript NM_001164508.2 (MANE Select); coding-DNA position 175, C replaced by G.
Protein change: p.Gln59Glu; replaces glutamine 59 with glutamic acid.
Molecular consequence: missense variant.
Genome position (GRCh38, 1-based): chr2:151,727,810, G>C on the plus strand (C>G on the coding strand, the complement: NEB is on the minus strand). VCF-style: chr2-151727810-G-C. GRCh37 (hg19) VCF-style: chr2-152584324-G-C.
Other names: c.175C>G, p.Gln59Glu (NM_001164507.2, NM_001271208.2, NM_004543.5); c.175C>G (NM_001271208.1); short protein forms Q59E.
Identifiers: ClinVar variation 1504402 (VCV001504402.7), dbSNP rs867732907, ClinGen allele CA348795332.
Genomic context (GRCh38, chr2:151,727,810, plus strand): 5'-AAGGATCCACTTTCTTCCGGATGACCTTCCTCCTCTCCACCGGCTTTGCTGATGCTGGCT[G>C]TGCCAGTGCTGGCTGTGCCAGAGCTGGTTTGGAAGTTTCTGATTGCTCATAGTCAGATGT-3'
Protein context (NP_001157980.2, residues 49-69): KPALAQPALA[Gln59Glu]PASAKPVERR

ClinVar aggregate classification (germline): Uncertain significance. Review status: criteria provided, single submitter (1 of 4 stars). 2 submissions from 2 submitters: Uncertain significance (1). 1 of the submissions does not count toward it. Last evaluated 2021-10-11.

Conditions:
Nemaline myopathy 2 (NEM2). Also called: Nemaline myopathy 2, autosomal recessive. Identifiers: MedGen C1850569, MONDO:0009725, OMIM 256030.

gnomAD v4.1: 3 of 1,599,154 alleles (0.00019%); highest among the groups gnomAD compares: Non-Finnish European, 0.00026%; 1 homozygote.

Submissions (2):

Labcorp Genetics (formerly Invitae), Labcorp
Classification: Uncertain significance for Nemaline myopathy 2. Last evaluated: 2021-10-11. Review status: criteria provided, single submitter. Criteria: Invitae Variant Classification Sherloc (09022015). Collection method: clinical testing. Allele origin: germline.
Comment: Algorithms developed to predict the effect of missense changes on protein structure and function are either unavailable or do not agree on the potential impact of this missense change (SIFT: "Deleterious"; PolyPhen-2: "Not Available"; Align-GVGD: "Class C0"). In summary, the available evidence is currently insufficient to determine the role of this variant in disease. Therefore, it has been classified as a Variant of Uncertain Significance. This variant has not been reported in the literature in individuals affected with NEB-related conditions. This variant is not present in population databases (ExAC no frequency). This sequence change replaces glutamine with glutamic acid at codon 59 of the NEB protein (p.Gln59Glu). The glutamine residue is moderately conserved and there is a small physicochemical difference between glutamine and glutamic acid.

Natera, Inc.
Classification: Uncertain significance for Nemaline myopathy type 2. Last evaluated: 2025-02-17. Review status: no assertion criteria provided. Collection method: clinical testing. Allele origin: germline. Not counted in ClinVar's aggregate classification.